The following is an entry in ClinVar:

NM_133433.4(NIPBL):c.5772A>C (p.Glu1924Asp)

Gene: NIPBL (NIPBL cohesin loading factor; plus strand). Cytogenetic location: 5p13.2.
Variant type: single nucleotide variant.
Coding change: c.5772A>C on transcript NM_133433.4 (MANE Select); coding-DNA position 5772, A replaced by C.
Protein change: p.Glu1924Asp; replaces glutamic acid 1924 with aspartic acid.
Molecular consequence: missense variant.
Genome position (GRCh38, 1-based): chr5:37,026,291, A>C. VCF-style: chr5-37026291-A-C. GRCh37 (hg19) VCF-style: chr5-37026393-A-C.
Other names: c.5772A>C, p.Glu1924Asp (NM_015384.5); short protein forms E1924D.
Identifiers: ClinVar variation 2591819 (VCV002591819.27), dbSNP rs771252680, ClinGen allele CA3236843.
Genomic context (GRCh38, chr5:37,026,291, plus strand): 5'-ATTAGTAAATGAAACATTCCAGAAACTCTGGTTTACTCCAACTCCACACAATGACAAAGA[A>C]GCAATGACAAGGAAAATTTTAAACATTACCGATGTGGTAAGAAGGACTGGAACAAGGGTG-3'
Protein context (NP_597677.2, residues 1914-1934): WFTPTPHNDK[Glu1924Asp]AMTRKILNIT

ClinVar aggregate classification (germline): Conflicting classifications of pathogenicity. Review status: criteria provided, conflicting classifications (1 of 4 stars). 4 submissions from 4 submitters: Uncertain significance (2); Likely benign (2). Last evaluated 2025-02-24.

Conditions:
Cornelia de Lange syndrome 1 (CDLS1). Also called: TYPUS DEGENERATIVUS AMSTELODAMENSIS; Brachmann de Lange syndrome; NIPBL-Related Cornelia de Lange Syndrome. Identifiers: Orphanet 199, MedGen C4551851, MONDO:0007387, OMIM 122470.
Inborn genetic diseases. Identifiers: MedGen C0950123, MeSH D030342.

Allele frequency attached by ClinVar (database versions not stated): TOPMed 0.00001; gnomAD 0.00002; gnomAD exomes 0.00004; ExAC 0.00006.
gnomAD v4.1: 64 of 1,611,682 alleles (0.004%); highest among the groups gnomAD compares: Non-Finnish European, 0.005%; no homozygotes.

Submissions (4):

Labcorp Genetics (formerly Invitae), Labcorp
Classification: Uncertain significance for Cornelia de Lange syndrome 1. Last evaluated: 2025-02-24. Review status: criteria provided, single submitter. Criteria: Invitae Variant Classification Sherloc (09022015). Collection method: clinical testing. Allele origin: germline.
Comment: This sequence change replaces glutamic acid, which is acidic and polar, with aspartic acid, which is acidic and polar, at codon 1924 of the NIPBL protein (p.Glu1924Asp). This variant is present in population databases (rs771252680, gnomAD 0.008%). This variant has not been reported in the literature in individuals affected with NIPBL-related conditions. ClinVar contains an entry for this variant (Variation ID: 2591819). Invitae Evidence Modeling of protein sequence and biophysical properties (such as structural, functional, and spatial information, amino acid conservation, physicochemical variation, residue mobility, and thermodynamic stability) has been performed for this missense variant. However, the output from this modeling did not meet the statistical confidence thresholds required to predict the impact of this variant on NIPBL protein function. In summary, the available evidence is currently insufficient to determine the role of this variant in disease. Therefore, it has been classified as a Variant of Uncertain Significance.

CeGaT Center for Human Genetics Tuebingen
Classification: Likely benign. Last evaluated: 2024-02-01. Review status: criteria provided, single submitter. Criteria: CeGaT Center For Human Genetics Tuebingen Variant Classification Criteria Version 2. Collection method: clinical testing. Allele origin: germline. Affected: yes. Observed: 1 variant allele.
Comment: NIPBL: BS1

Ambry Genetics
Classification: Likely benign for Inborn genetic diseases. Last evaluated: 2023-07-12. Review status: criteria provided, single submitter. Criteria: Ambry Variant Classification Scheme 2023. Collection method: clinical testing. Allele origin: germline.

Department of Pathology and Laboratory Medicine, Sinai Health System
Classification: Uncertain significance for Cornelia de Lange syndrome 1. Last evaluated: 2022-02-01. Review status: criteria provided, single submitter. Criteria: ACMG Guidelines, 2015. Collection method: research. Allele origin: germline.